The following is an entry in ClinVar:

NM_001378974.1(FBXW11):c.990G>A (p.Thr330=)

Gene: FBXW11 (F-box and WD repeat domain containing 11; minus strand). Cytogenetic location: 5q35.1.
Variant type: single nucleotide variant.
Coding change: c.990G>A on transcript NM_001378974.1 (MANE Select); coding-DNA position 990, G replaced by A.
Protein change: p.Thr330=; no amino-acid change (threonine 330 retained).
Molecular consequence: synonymous variant.
Genome position (GRCh38, 1-based): chr5:171,876,516, C>T on the plus strand (G>A on the coding strand, the complement: FBXW11 is on the minus strand). VCF-style: chr5-171876516-C-T. GRCh37 (hg19) VCF-style: chr5-171303520-C-T.
Other names: c.921G>A, p.Thr307= (NM_001378975.1); c.894G>A, p.Thr298= (NM_001378976.1); c.831G>A, p.Thr277= (NM_001378977.1, NM_001378978.1, NM_001378979.1); c.825G>A, p.Thr275= (NM_001378980.1, NM_033645.3); c.927G>A, p.Thr309= (NM_012300.3); c.888G>A, p.Thr296= (NM_033644.3).
Identifiers: ClinVar variation 3353656 (VCV003353656.1).
Genomic context (GRCh38, chr5:171,876,516, plus strand): 5'-GCTGAAGCGTAAGTGCAATACAGCCTCATTGTGGTGGATCAATGTGTTAAGAACTTCACC[C>T]GTGTTCACATCCCACACTCTAGGAGAGAAGAGAAAAGCATGATGCTTAATTATGGAGACA-3'
Protein context (NP_001365903.1, residues 320-340): DSTVRVWDVN[Thr330=]GEVLNTLIHH

ClinVar aggregate classification (germline): Likely benign (0 of 4 stars; one submission).

Conditions:
FBXW11-related disorder. Also called: FBXW11-related condition.

gnomAD v4.1: 21 of 1,613,966 alleles (0.0013%); highest among the groups gnomAD compares: Admixed American, 0.0033%; no homozygotes.

Submission:

PreventionGenetics, part of Exact Sciences
Classification: Likely benign for FBXW11-related condition. Last evaluated: 2024-08-29. Review status: no assertion criteria provided. Collection method: clinical testing. Allele origin: germline.
Comment: This variant is classified as likely benign based on ACMG/AMP sequence variant interpretation guidelines (Richards et al. 2015 PMID: 25741868, with internal and published modifications).